The following is an entry in ClinVar:

ClinVar aggregate classification (germline): Pathogenic (1 of 4 stars; one submission).

Conditions:
Neurofibromatosis, type 1 (NF1). Also called: NEUROFIBROMATOSIS, TYPE I, SOMATIC; Peripheral type neurofibromatosis; Neurofibromatosis, type I; VON RECKLINGHAUSEN DISEASE. Identifiers: Orphanet 636, MedGen C0027831, MONDO:0018975, OMIM 162200. Disease mechanism: loss of function.

Submission:

Labcorp Genetics (formerly Invitae), Labcorp
Classification: Pathogenic for Neurofibromatosis, type 1. Last evaluated: 2025-05-27. Review status: criteria provided, single submitter. Criteria: Invitae Variant Classification Sherloc (09022015). Collection method: clinical testing. Allele origin: germline.
Comment: This sequence change creates a premature translational stop signal (p.Ile1818Profs*22) in the NF1 gene. It is expected to result in an absent or disrupted protein product. Loss-of-function variants in NF1 are known to be pathogenic (PMID: 10712197, 23913538). This variant is not present in population databases (gnomAD no frequency). This premature translational stop signal has been observed in individual(s) with neurofibromatosis type 1 (PMID: 25520849). ClinVar contains an entry for this variant (Variation ID: 1402697). For these reasons, this variant has been classified as Pathogenic.

Literature cited by the submitters: PubMed 10712197; PubMed 23913538; PubMed 25520849.

NM_001042492.3(NF1):c.5515_5516del (p.Ile1839fs)

Gene: NF1 (neurofibromin 1; plus strand). Cytogenetic location: 17q11.2.
Variant type: Deletion.
Coding change: c.5515_5516del on transcript NM_001042492.3 (MANE Select); coding-DNA positions 5515 to 5516, 2 bases deleted (AT; older notation c.5515_5516delAT).
Protein change: p.Ile1839fs; shifts the reading frame from isoleucine 1839.
Molecular consequence: frameshift variant.
Genome position (GRCh38, 1-based): chr17:31,327,745-31,327,746, AT deleted; deleting any 2 consecutive bases within chr17:31,327,744-31,327,746 gives the same sequence; the c. name uses the placement nearest the transcript's 3' end. VCF-style (leftmost placement, unchanged base first): chr17-31327743-CTA-C. GRCh37 (hg19) VCF-style: chr17-29654761-CTA-C.
Other names: c.5452_5453delAT, p.Ile1818Profs (NM_000267.4); short protein forms I1818fs, I1839fs.
Identifiers: ClinVar variation 1402697 (VCV001402697.8), dbSNP rs2151541621, ClinGen allele CA2573153408.